The following is an entry in ClinVar:

NM_003680.4(YARS1):c.929A>G (p.Lys310Arg)

Gene: YARS1 (tyrosyl-tRNA synthetase 1; minus strand). Cytogenetic location: 1p35.1.
Variant type: single nucleotide variant.
Coding change: c.929A>G on transcript NM_003680.4 (MANE Select); coding-DNA position 929, A replaced by G.
Protein change: p.Lys310Arg; replaces lysine 310 with arginine.
Molecular consequence: missense variant.
Genome position (GRCh38, 1-based): chr1:32,782,517, T>C on the plus strand (A>G on the coding strand, the complement: YARS1 is on the minus strand). VCF-style: chr1-32782517-T-C. GRCh37 (hg19) VCF-style: chr1-33248118-T-C.
Other names: short protein forms K310R.
Identifiers: ClinVar variation 1800233 (VCV001800233.4), dbSNP rs1653094099, ClinGen allele CA339683642.
Genomic context (GRCh38, chr1:32,782,517, plus strand): 5'-GTATTAAACTTTTCCCGGATTGGATCCAGCAACTTGTTCAGTGCGACTTCAACAGAATTC[T>C]TCAGGTCTCCAGGATGTACAACCTGCAGAATCGAACAAGACCTAGTGAGATAAAGTCTAG-3'
Protein context (NP_003671.1, residues 300-320): AAEVVHPGDL[Lys310Arg]NSVEVALNKL

ClinVar aggregate classification (germline): Uncertain significance. Review status: criteria provided, multiple submitters, no conflicts (2 of 4 stars). 2 submissions from 2 submitters: Uncertain significance (2). Last evaluated 2024-12-10.

Conditions:
Inborn genetic diseases. Identifiers: MedGen C0950123, MeSH D030342.
Charcot-Marie-Tooth disease dominant intermediate C (CMTDIC). Also called: CHARCOT-MARIE-TOOTH NEUROPATHY, DOMINANT INTERMEDIATE C. Identifiers: Orphanet 100045, MedGen C1842237, MONDO:0012012, OMIM 608323.

Allele frequency attached by ClinVar (database versions not stated): gnomAD exomes below 0.00001.
gnomAD v4.1: 2 of 1,614,182 alleles (0.00012%); highest among the groups gnomAD compares: Non-Finnish European, 0.00017%; no homozygotes.

Submissions (2):

Labcorp Genetics (formerly Invitae), Labcorp
Classification: Uncertain significance for Charcot-Marie-Tooth disease dominant intermediate C. Last evaluated: 2024-12-10. Review status: criteria provided, single submitter. Criteria: Invitae Variant Classification Sherloc (09022015). Collection method: clinical testing. Allele origin: germline.
Comment: This sequence change replaces lysine, which is basic and polar, with arginine, which is basic and polar, at codon 310 of the YARS protein (p.Lys310Arg). This variant is not present in population databases (gnomAD no frequency). This variant has not been reported in the literature in individuals affected with YARS-related conditions. ClinVar contains an entry for this variant (Variation ID: 1800233). Invitae Evidence Modeling of protein sequence and biophysical properties (such as structural, functional, and spatial information, amino acid conservation, physicochemical variation, residue mobility, and thermodynamic stability) indicates that this missense variant is expected to disrupt YARS protein function with a positive predictive value of 80%. In summary, the available evidence is currently insufficient to determine the role of this variant in disease. Therefore, it has been classified as a Variant of Uncertain Significance.

Ambry Genetics
Classification: Uncertain significance for Inborn genetic diseases. Last evaluated: 2020-03-18. Review status: criteria provided, single submitter. Criteria: Ambry Variant Classification Scheme 2023. Collection method: clinical testing. Allele origin: germline.
Comment: The p.K310R variant (also known as c.929A>G), located in coding exon 9 of the YARS gene, results from an A to G substitution at nucleotide position 929. The lysine at codon 310 is replaced by arginine, an amino acid with highly similar properties. This amino acid position is highly conserved in available vertebrate species. In addition, the in silico prediction for this alteration is inconclusive. Since supporting evidence is limited at this time, the clinical significance of this alteration remains unclear.